The following is an entry in ClinVar:

ClinVar aggregate classification (germline): Pathogenic/Likely pathogenic. Review status: criteria provided, multiple submitters, no conflicts (2 of 4 stars). 4 submissions from 4 submitters: Pathogenic (3); Likely pathogenic (1). Last evaluated 2026-06-12.

Conditions:
Lymphangiomyomatosis (LAM). Also called: Lymphangioleiomyomatosis, somatic; Lymphangioleiomyomatosis. Identifiers: Orphanet 538, MedGen C0751674, MONDO:0011705, OMIM 606690.
Tuberous sclerosis 1 (TSC1). Identifiers: Orphanet 805, MedGen C1854465, MONDO:0008612, OMIM 191100.
Isolated focal cortical dysplasia type II (FCORD2). Also called: Focal cortical dysplasia type II; CORTICAL DYSPLASIA OF TAYLOR. Identifiers: Orphanet 268994, MedGen C1846385, MONDO:0011818, OMIM 607341, HP:0032051.
Hereditary cancer-predisposing syndrome. Also called: Hereditary Cancer Syndrome; Tumor predisposition; Hereditary neoplastic syndrome; Neoplastic Syndromes, Hereditary. Identifiers: Orphanet 140162, MedGen C0027672, MeSH D009386, MONDO:0015356.

Submissions (4):

Ambry Genetics
Classification: Pathogenic for Hereditary cancer-predisposing syndrome. Last evaluated: 2026-06-12. Review status: criteria provided, single submitter. Criteria: Ambry Variant Classification Scheme 2023. Collection method: clinical testing. Allele origin: germline.
Comment: The c.1326_1327delAG pathogenic mutation, located in coding exon 11 of the TSC1 gene, results from a deletion of two nucleotides at nucleotide positions 1326 to 1327, causing a translational frameshift with a predicted alternate stop codon (p.G443Ifs*15). This variant is considered to be rare based on population cohorts in the Genome Aggregation Database (gnomAD). This alteration is expected to result in loss of function by premature protein truncation or nonsense-mediated mRNA decay. As such, this alteration is interpreted as a disease-causing mutation.

Labcorp Genetics (formerly Invitae), Labcorp
Classification: Pathogenic for Tuberous sclerosis 1. Last evaluated: 2025-11-18. Review status: criteria provided, single submitter. Criteria: Invitae Variant Classification Sherloc (09022015). Collection method: clinical testing. Allele origin: germline.
Comment: This sequence change creates a premature translational stop signal (p.Gly443Ilefs*15) in the TSC1 gene. It is expected to result in an absent or disrupted protein product. Loss-of-function variants in TSC1 are known to be pathogenic (PMID: 10227394, 17304050). This variant is not present in population databases (gnomAD no frequency). This premature translational stop signal has been observed in individual(s) with clinical features of Neurofibromatosis Type 1, Legius Syndrome, and other related neurocutaneous disorders (PMID: 31370276). ClinVar contains an entry for this variant (Variation ID: 421669). For these reasons, this variant has been classified as Pathogenic.

GeneDx
Classification: Likely pathogenic. Last evaluated: 2024-10-01. Review status: criteria provided, single submitter. Criteria: GeneDx Variant Classification Process June 2021. Collection method: clinical testing. Allele origin: germline. Affected: yes.
Comment: Frameshift variant predicted to result in protein truncation or nonsense mediated decay in a gene for which loss of function is a known mechanism of disease; Not observed at significant frequency in large population cohorts (gnomAD); Observed in two individuals in a single family with a suspected RASopathy or neurocutaneous disorder in published literature (PMID: 31370276); This variant is associated with the following publications: (PMID: 31370276)

Fulgent Genetics
Classification: Pathogenic for Tuberous sclerosis 1; Lymphangiomyomatosis; Isolated focal cortical dysplasia type II. Last evaluated: 2024-04-16. Review status: criteria provided, single submitter. Criteria: ACMG Guidelines, 2015. Collection method: clinical testing. Allele origin: germline.

Literature cited by the submitters: PubMed 10227394 (cited by Labcorp Genetics (formerly Invitae), Labcorp); PubMed 17304050 (cited by Labcorp Genetics (formerly Invitae), Labcorp); PubMed 31370276 (cited by Labcorp Genetics (formerly Invitae), Labcorp).

NM_000368.5(TSC1):c.1326_1327del (p.Gly443fs)

Gene: TSC1 (TSC complex subunit 1; minus strand). Cytogenetic location: 9q34.13.
Variant type: Microsatellite.
Coding change: c.1326_1327del on transcript NM_000368.5 (MANE Select); coding-DNA positions 1326 to 1327, 2 bases deleted (AG; older notation c.1326_1327delAG).
Protein change: p.Gly443fs; shifts the reading frame from glycine 443.
Molecular consequence: frameshift variant.
Genome position (GRCh38, 1-based): chr9:132,907,307-132,907,308, CT deleted on the plus strand (AG on the coding strand, the reverse complement: TSC1 is on the minus strand); deleting any 2 consecutive bases within chr9:132,907,307-132,907,310 gives the same sequence; the c. name uses the placement nearest the transcript's 3' end. VCF-style (leftmost placement, unchanged base first): chr9-132907306-CCT-C. GRCh37 (hg19) VCF-style: chr9-135782693-CCT-C.
Other names: c.1323_1324del, p.Gly442fs (NM_001162426.2); c.1173_1174del, p.Gly392fs (NM_001162427.2); c.963_964del, p.Gly322fs (NM_001362177.2); c.1326_1327delAG (NM_000368.4); short protein forms G443fs, G392fs, G442fs, G322fs.
Identifiers: ClinVar variation 421669 (VCV000421669.12), dbSNP rs1064795285, ClinGen allele CA16618774.